The following is an entry in ClinVar:

NM_024678.6(NARS2):c.936_949dup (p.Asn317delinsIleCysTer)

Gene: NARS2 (asparaginyl-tRNA synthetase 2, mitochondrial; minus strand). Cytogenetic location: 11q14.1.
Variant type: Duplication.
Coding change: c.936_949dup on transcript NM_024678.6 (MANE Select); coding-DNA positions 936 to 949, 14 bases duplicated (TATGCTAAAAAACA).
Protein change: p.Asn317delinsIleCysTer.
Molecular consequence: nonsense.
Genome position (GRCh38, 1-based): chr11:78,478,448-78,478,461, TGTTTTTTAGCATA duplicated on the plus strand (TATGCTAAAAAACA on the coding strand, the reverse complement: NARS2 is on the minus strand); duplicating any 14 consecutive bases within chr11:78,478,448-78,478,465 gives the same sequence; the c. name uses the placement nearest the transcript's 3' end. VCF-style (leftmost placement, unchanged base first): chr11-78478447-T-TTGTTTTTTAGCATA. GRCh37 (hg19) VCF-style: chr11-78189493-T-TTGTTTTTTAGCATA.
Other names: c.255_268dup, p.Asn90delinsIleCysTer (NM_001243251.2).
Identifiers: ClinVar variation 3254561 (VCV003254561.1), dbSNP rs2496365964.
Genomic context (GRCh38, chr11:78,478,447, plus strand): 5'-GATAAATACAGTGATAATGAATAAAGTTCAAAAAGTATAACATCTACTTACATTAAAAAG[T>TTGTTTTTTAGCATA]TGTTTTTTAGCATATGTTCTAATCTGTCCTTAATAAAAAGACAAAAAAGAAAATTTTAAA-3'

ClinVar aggregate classification (germline): Pathogenic (1 of 4 stars; one submission).

Conditions:
Combined oxidative phosphorylation defect type 24. Also called: Combined oxidative phosphorylation deficiency 24. Identifiers: Orphanet 444458, MedGen C4015643, MONDO:0014547, OMIM 616239.

Submission:

Victorian Clinical Genetics Services, Murdoch Childrens Research Institute
Classification: Pathogenic for Combined oxidative phosphorylation defect type 24. Last evaluated: 2023-07-17. Review status: criteria provided, single submitter. Criteria: ACMG Guidelines, 2015. Collection method: clinical testing. Allele origin: germline. Inheritance: Autosomal recessive inheritance. Affected: yes.
Comment: Based on the classification scheme VCGS_Germline_v1.3.4, this variant is classified as Pathogenic. Following criteria are met: 0102 - Loss of function is a known mechanism of disease in this gene and is associated with combined oxidative phosphorylation deficiency 24 (MIM#616239) (I) 0106 - This gene is associated with autosomal recessive disease. (I) 0201 - Variant is predicted to cause nonsense-mediated decay (NMD) and loss of protein (premature termination codon is located at least 54 nucleotides upstream of the final exon-exon junction). (SP) 0251 - This variant is heterozygous. (I) 0301 - Variant is absent from gnomAD (both v2 and v3). (SP) 0702 - Other NMD-predicted variants comparable to the one identified in this case have strong previous evidence for pathogenicity (DECIPHER; PMIDs: 32488467, 34415467). (SP) 0807 - This variant has no previous evidence of pathogenicity. (I) 0905 - No published segregation evidence has been identified for this variant. (I) 1007 - No published functional evidence has been identified for this variant. (I) 1208 - Inheritance information for this variant is not currently available in this individual. (I) Legend: (SP) - Supporting pathogenic, (I) - Information, (SB) - Supporting benign

Literature cited by the submitters: PubMed 32488467; PubMed 34415467.